The following is an entry in ClinVar:

NM_002317.7(LOX):c.108G>C (p.Pro36=)

Genes: LOX (lysyl oxidase; minus strand), SRFBP1 (serum response factor binding protein 1; plus strand). Cytogenetic location: 5q23.1.
Variant type: single nucleotide variant.
Coding change: c.108G>C on transcript NM_002317.7 (MANE Select); coding-DNA position 108, G replaced by C.
Protein change: p.Pro36=; no amino-acid change (proline 36 retained).
Molecular consequence: synonymous variant.
Genome position (GRCh38, 1-based): chr5:122,077,878, C>G on the plus strand (G>C on the coding strand, the complement: LOX is on the minus strand). VCF-style: chr5-122077878-C-G. GRCh37 (hg19) VCF-style: chr5-121413573-C-G.
Other names: c.108G>C (NM_002317.5).
Identifiers: ClinVar variation 1673428 (VCV001673428.32), dbSNP rs949918933, ClinGen allele CA125917620.
Genomic context (GRCh38, chr5:122,077,878, plus strand): 5'-GCTGAACACCTGCCCGTTGTTCTCCCATTGGATCTGCTGGCGCCAGGCGCCCGGAGCCGC[C>G]GGCGGCTCGCGCGGGGGCTGCTGTTGGCCGGCGGCGGGAGGGGCGCAGTGCACTAGCGCG-3'
Protein context (NP_002308.2, residues 26-46): AGQQQPPREP[Pro36=]AAPGAWRQQI

ClinVar aggregate classification (germline): Likely benign. Review status: criteria provided, multiple submitters, no conflicts (2 of 4 stars). 3 submissions from 3 submitters: Likely benign (3). Last evaluated 2025-07-29.

Conditions:
Cardiovascular phenotype. Identifiers: MedGen CN230736.

Allele frequency attached by ClinVar (database versions not stated): gnomAD 0.00001; TOPMed 0.00001; gnomAD exomes 0.00003.
gnomAD v4.1: 10 of 1,535,408 alleles (0.00065%); highest among the groups gnomAD compares: Non-Finnish European, 0.00087%; no homozygotes.

Submissions (3):

Labcorp Genetics (formerly Invitae), Labcorp
Classification: Likely benign. Last evaluated: 2025-07-29. Review status: criteria provided, single submitter. Criteria: Invitae Variant Classification Sherloc (09022015). Collection method: clinical testing. Allele origin: germline.

Ambry Genetics
Classification: Likely benign for Cardiovascular phenotype. Last evaluated: 2024-11-05. Review status: criteria provided, single submitter. Criteria: Ambry Variant Classification Scheme 2023. Collection method: clinical testing. Allele origin: germline.

CeGaT Center for Human Genetics Tuebingen
Classification: Likely benign. Last evaluated: 2022-07-01. Review status: criteria provided, single submitter. Criteria: CeGaT Center For Human Genetics Tuebingen Variant Classification Criteria Version 2. Collection method: clinical testing. Allele origin: germline. Affected: yes. Observed: 1 variant allele.
Comment: LOX: BP4, BP7